The following is an entry in ClinVar:

ClinVar aggregate classification (germline): Pathogenic/Likely pathogenic. Review status: criteria provided, multiple submitters, no conflicts (2 of 4 stars). 2 submissions from 2 submitters: Pathogenic (1); Likely pathogenic (1). Last evaluated 2025-08-21.

Conditions:
Developmental and epileptic encephalopathy, 33 (DEE33). Also called: Epileptic encephalopathy, early infantile, 33. Identifiers: Orphanet 442835, MedGen C4225337, MONDO:0014625, OMIM 616409.
EEF1A2-related developmental and degenerative epileptic-dyskinetic encephalopathy.

Submissions (2):

Labcorp Genetics (formerly Invitae), Labcorp
Classification: Pathogenic for Developmental and epileptic encephalopathy, 33. Last evaluated: 2025-08-21. Review status: criteria provided, single submitter. Criteria: Invitae Variant Classification Sherloc (09022015). Collection method: clinical testing. Allele origin: germline.
Comment: This sequence change replaces glycine, which is neutral and non-polar, with arginine, which is basic and polar, at codon 384 of the EEF1A2 protein (p.Gly384Arg). This variant is not present in population databases (gnomAD no frequency). This missense change has been observed in individual(s) with infantile-onset epilepsy and developmental delay (PMID: 32196822; internal data). In at least one individual the variant was observed to be de novo. ClinVar contains an entry for this variant (Variation ID: 542650). Invitae Evidence Modeling of protein sequence and biophysical properties (such as structural, functional, and spatial information, amino acid conservation, physicochemical variation, residue mobility, and thermodynamic stability) indicates that this missense variant is expected to disrupt EEF1A2 protein function with a positive predictive value of 95%. For these reasons, this variant has been classified as Pathogenic.

Epilepsy Neurogenetics Initiative, Children's Hospital of Philadelphia
Classification: Likely pathogenic for EEF1A2-related developmental and degenerative epileptic-dyskinetic encephalopathy. Last evaluated: 2020-02-13. Review status: criteria provided, single submitter. Criteria: ACMG Guidelines, 2015. Collection method: research. Allele origin: de novo. Inheritance: Autosomal dominant inheritance. Affected: yes.
Comment: The EEF1A2 c.1150G>C; Therefore, this variant has been classified as likely pathogenic.

Literature cited by the submitters: PubMed 32196822 (cited by Labcorp Genetics (formerly Invitae), Labcorp).

NM_001958.5(EEF1A2):c.1150G>C (p.Gly384Arg)

Gene: EEF1A2 (eukaryotic translation elongation factor 1 alpha 2; minus strand). Cytogenetic location: 20q13.33.
Variant type: single nucleotide variant.
Coding change: c.1150G>C on transcript NM_001958.5 (MANE Select); coding-DNA position 1150, G replaced by C.
Protein change: p.Gly384Arg; replaces glycine 384 with arginine.
Molecular consequence: missense variant.
Genome position (GRCh38, 1-based): chr20:63,489,032, C>G on the plus strand (G>C on the coding strand, the complement: EEF1A2 is on the minus strand). VCF-style: chr20-63489032-C-G. GRCh37 (hg19) VCF-style: chr20-62120385-C-G.
Other names: short protein forms G384R.
Identifiers: ClinVar variation 542650 (VCV000542650.10), dbSNP rs1555883384, ClinGen allele CA409644513.
Genomic context (GRCh38, chr20:63,489,032, plus strand): 5'-TCTCCACGATGGCCGCGTCTCCAGACTTCAGGGACTTGGGGTTGTCCTCCAGCTTCTTGC[C>G]AGAGCGCCGGTCAATCTTCTCCTTCAGCTCCGCAAACTTGCAGGCGATGTGGGCTGTGTG-3'
Protein context (NP_001949.1, residues 374-394): ELKEKIDRRS[Gly384Arg]KKLEDNPKSL